The following is an entry in ClinVar:

NM_001184.4(ATR):c.6197G>A (p.Arg2066Gln)

Genes: ATR (ATR checkpoint kinase; minus strand), LOC126806830 (BRD4-independent group 4 enhancer GRCh37_chr3:142203676-142204875; plus strand). Cytogenetic location: 3q23.
Variant type: single nucleotide variant.
Coding change: c.6197G>A on transcript NM_001184.4 (MANE Select); coding-DNA position 6197, G replaced by A.
Protein change: p.Arg2066Gln; replaces arginine 2066 with glutamine.
Molecular consequence: missense variant.
Genome position (GRCh38, 1-based): chr3:142,485,164, C>T on the plus strand (G>A on the coding strand, the complement: ATR is on the minus strand). VCF-style: chr3-142485164-C-T. GRCh37 (hg19) VCF-style: chr3-142204006-C-T.
Other names: c.6005G>A, p.Arg2002Gln (NM_001354579.2); short protein forms R2066Q, R2002Q.
Identifiers: ClinVar variation 343593 (VCV000343593.13), dbSNP rs886058052, ClinGen allele CA10615454.

ClinVar aggregate classification (germline): Uncertain significance. Review status: criteria provided, multiple submitters, no conflicts (2 of 4 stars). 6 submissions from 5 submitters: Uncertain significance (6). Last evaluated 2026-08-06.

Conditions:
Seckel syndrome 1 (SCKL1). Also called: MICROCEPHALIC PRIMORDIAL DWARFISM I. Identifiers: Orphanet 808, MedGen C4551474, MONDO:0008869, OMIM 210600.
Familial cutaneous telangiectasia and oropharyngeal predisposition cancer syndrome. Identifiers: Orphanet 313846, MedGen C3281203, MONDO:0013806, OMIM 614564.

Allele frequency attached by ClinVar (database versions not stated): gnomAD 0.00001 and 0.00002; gnomAD exomes below 0.00001 and 0.00001; TOPMed 0.00003.
gnomAD v4.1: 15 of 1,613,948 alleles (0.00093%); highest among the groups gnomAD compares: East Asian, 0.0022%; no homozygotes.

Submissions (6):

OLLIN Analises Genomicas, OLLIN
Classification: Uncertain significance for Seckel syndrome 1. Last evaluated: 2026-08-06. Review status: criteria provided, single submitter. Criteria: ACMG Guidelines 2015 PMID 25741868. Collection method: clinical testing. Allele origin: germline. Inheritance: Autosomal recessive inheritance.
Comment: This missense variant, located in exon 36 (of 47), has been reported in ClinVar (accession VCV000343593.12) and in gnomAD with an allele frequency of 0.00093%. However, to our knowledge, it has not been reported in the scientific literature. In silico analysis predicts that this variant has a tolerated effect. According to the currently available evidence, this variant has been classified as uncertain significance (BP4_M).

Labcorp Genetics (formerly Invitae), Labcorp
Classification: Uncertain significance. Last evaluated: 2024-11-05. Review status: criteria provided, single submitter. Criteria: Invitae Variant Classification Sherloc (09022015). Collection method: clinical testing. Allele origin: germline.
Comment: This sequence change replaces arginine, which is basic and polar, with glutamine, which is neutral and polar, at codon 2066 of the ATR protein (p.Arg2066Gln). The frequency data for this variant in the population databases is considered unreliable, as metrics indicate poor data quality at this position in the gnomAD database. This variant has not been reported in the literature in individuals affected with ATR-related conditions. ClinVar contains an entry for this variant (Variation ID: 343593). An algorithm developed to predict the effect of missense changes on protein structure and function (PolyPhen-2) suggests that this variant is likely to be disruptive. In summary, the available evidence is currently insufficient to determine the role of this variant in disease. Therefore, it has been classified as a Variant of Uncertain Significance.

Genome-Nilou Lab
Classification: Uncertain significance for Seckel syndrome 1. Last evaluated: 2023-02-08. Review status: criteria provided, single submitter. Criteria: ACMG Guidelines, 2015. Collection method: clinical testing. Allele origin: germline.

Genome-Nilou Lab
Classification: Uncertain significance for Familial cutaneous telangiectasia and oropharyngeal predisposition cancer syndrome. Last evaluated: 2023-02-08. Review status: criteria provided, single submitter. Criteria: ACMG Guidelines, 2015. Collection method: clinical testing. Allele origin: germline.

Illumina Laboratory Services, Illumina
Classification: Uncertain significance for Seckel syndrome 1. Last evaluated: 2018-01-13. Review status: criteria provided, single submitter. Criteria: ICSL Variant Classification Criteria 13 December 2019. Collection method: clinical testing. Allele origin: germline.

Breakthrough Genomics
Classification: Uncertain significance. Review status: criteria provided, single submitter. Criteria: ACMG Guidelines, 2015. Collection method: not provided. Allele origin: germline. Inheritance: Autosomal recessive inheritance. Affected: yes.